The following is an entry in ClinVar:

ClinVar aggregate classification (germline): Conflicting classifications of pathogenicity. Review status: criteria provided, conflicting classifications (1 of 4 stars). 2 submissions from 2 submitters: Uncertain significance (1); Likely benign (1). Last evaluated 2022-06-14.

Allele frequency attached by ClinVar (database versions not stated): TOPMed 0.00003; 1000 Genomes Project 30x 0.00031; 1000 Genomes Project 0.00040.
gnomAD v4.1: 15 of 1,614,036 alleles (0.00093%); highest among the groups gnomAD compares: East Asian, 0.027%; no homozygotes.

Submissions (2):

Labcorp Genetics (formerly Invitae), Labcorp
Classification: Uncertain significance. Last evaluated: 2022-06-14. Review status: criteria provided, single submitter. Criteria: Invitae Variant Classification Sherloc (09022015). Collection method: clinical testing. Allele origin: germline.
Comment: This sequence change replaces aspartic acid, which is acidic and polar, with glutamic acid, which is acidic and polar, at codon 4208 of the USH2A protein (p.Asp4208Glu). This variant is present in population databases (rs375223901, gnomAD 0.04%). This variant has not been reported in the literature in individuals affected with USH2A-related conditions. ClinVar contains an entry for this variant (Variation ID: 505960). Algorithms developed to predict the effect of missense changes on protein structure and function output the following: SIFT: "Deleterious"; PolyPhen-2: "Benign"; Align-GVGD: "Class C0". The glutamic acid amino acid residue is found in multiple mammalian species, which suggests that this missense change does not adversely affect protein function. In summary, the available evidence is currently insufficient to determine the role of this variant in disease. Therefore, it has been classified as a Variant of Uncertain Significance.

Laboratory for Molecular Medicine, Mass General Brigham Personalized Medicine
Classification: Likely benign. Last evaluated: 2017-07-20. Review status: criteria provided, single submitter. Criteria: LMM Criteria. Collection method: clinical testing. Allele origin: germline. Observed: 1 variant allele.
Comment: p.Asp4208Glu in exon 63 of USH2A: This variant is not expected to have clinical significance because the aspartic acid (Asp) at position 4208 is not conserved t hrough species, with four mammals (squirrel monkey, Guinea pig, brush-tailed rat , star-nosed mole) having a glutamic acid (Glu) at this position. It has been i dentified in 7/17200 East Asian chromosomes by the Genome Aggregation Database ( gnomAD; dbSNP rs375223901).

NM_206933.4(USH2A):c.12624C>A (p.Asp4208Glu)

Gene: USH2A (usherin; minus strand). Cytogenetic location: 1q41.
Variant type: single nucleotide variant.
Coding change: c.12624C>A on transcript NM_206933.4 (MANE Select); coding-DNA position 12624, C replaced by A.
Protein change: p.Asp4208Glu; replaces aspartic acid 4208 with glutamic acid.
Molecular consequence: missense variant.
Genome position (GRCh38, 1-based): chr1:215,675,287, G>T on the plus strand (C>A on the coding strand, the complement: USH2A is on the minus strand). VCF-style: chr1-215675287-G-T. GRCh37 (hg19) VCF-style: chr1-215848629-G-T.
Other names: short protein forms D4208E.
Identifiers: ClinVar variation 505960 (VCV000505960.7), dbSNP rs375223901, ClinGen allele CA1393436.